The following is an entry in ClinVar:

ClinVar aggregate classification (germline): Uncertain significance (1 of 4 stars; one submission).

Allele frequency attached by ClinVar (database versions not stated): gnomAD exomes below 0.00001.
gnomAD v4.1: 5 of 1,614,254 alleles (0.00031%); highest among the groups gnomAD compares: South Asian, 0.0011%; no homozygotes.

Submission:

Labcorp Genetics (formerly Invitae), Labcorp
Classification: Uncertain significance. Last evaluated: 2025-04-20. Review status: criteria provided, single submitter. Criteria: Invitae Variant Classification Sherloc (09022015). Collection method: clinical testing. Allele origin: germline.
Comment: This sequence change replaces phenylalanine, which is neutral and non-polar, with leucine, which is neutral and non-polar, at codon 349 of the TSEN2 protein (p.Phe349Leu). This variant is present in population databases (no rsID available, gnomAD 0.003%). This variant has not been reported in the literature in individuals affected with TSEN2-related conditions. ClinVar contains an entry for this variant (Variation ID: 1934406). Invitae Evidence Modeling of protein sequence and biophysical properties (such as structural, functional, and spatial information, amino acid conservation, physicochemical variation, residue mobility, and thermodynamic stability) indicates that this missense variant is expected to disrupt TSEN2 protein function with a positive predictive value of 80%. In summary, the available evidence is currently insufficient to determine the role of this variant in disease. Therefore, it has been classified as a Variant of Uncertain Significance.

NM_025265.4(TSEN2):c.1045T>C (p.Phe349Leu)

Gene: TSEN2 (tRNA splicing endonuclease subunit 2; plus strand). Cytogenetic location: 3p25.2.
Variant type: single nucleotide variant.
Coding change: c.1045T>C on transcript NM_025265.4 (MANE Select); coding-DNA position 1045, T replaced by C.
Protein change: p.Phe349Leu; replaces phenylalanine 349 with leucine.
Molecular consequence: missense variant. On other transcripts: non-coding transcript variant (1).
Genome position (GRCh38, 1-based): chr3:12,519,143, T>C. VCF-style: chr3-12519143-T-C. GRCh37 (hg19) VCF-style: chr3-12560642-T-C.
Other names: c.1045T>C, p.Phe349Leu (NM_001145392.2, NM_001321277.2, NM_001321278.2); c.967T>C, p.Phe323Leu (NM_001145393.3, NM_001321279.2); c.868T>C, p.Phe290Leu (NM_001145394.2); short protein forms F290L, F323L, F349L.
Identifiers: ClinVar variation 1934406 (VCV001934406.5), dbSNP rs1269902581, ClinGen allele CA351475550.